The following is an entry in ClinVar:

ClinVar aggregate classification (germline): Likely pathogenic (1 of 4 stars; one submission).

Conditions:
Dilated cardiomyopathy 1G (CMD1G). Identifiers: Orphanet 154, MedGen C1858763, MONDO:0011400, OMIM 604145.
Autosomal recessive limb-girdle muscular dystrophy type 2J (LGMDR10). Also called: Limb-girdle muscular dystrophy, type 2J; MUSCULAR DYSTROPHY, LIMB-GIRDLE, AUTOSOMAL RECESSIVE 10. Identifiers: Orphanet 140922, MedGen C1837342, MONDO:0012127, OMIM 608807.

Submission:

Labcorp Genetics (formerly Invitae), Labcorp
Classification: Likely pathogenic for Dilated cardiomyopathy 1G; Autosomal recessive limb-girdle muscular dystrophy type 2J. Last evaluated: 2022-03-11. Review status: criteria provided, single submitter. Criteria: Invitae Variant Classification Sherloc (09022015). Collection method: clinical testing. Allele origin: germline.
Comment: This variant is located in the A band of TTN (PMID: 25589632). Truncating variants in this region are significantly overrepresented in patients affected with dilated cardiomyopathy (PMID: 25589632). Truncating variants in this region have also been reported in individuals affected with autosomal recessive centronuclear myopathy (PMID: 23975875). This variant has not been reported in the literature in individuals affected with TTN-related conditions. This variant is not present in population databases (gnomAD no frequency). This sequence change creates a premature translational stop signal (p.Arg29114*) in the TTN gene. While this is not anticipated to result in nonsense mediated decay, it is expected to create a truncated TTN protein. In summary, the currently available evidence indicates that the variant is pathogenic, but additional data are needed to prove that conclusively. Therefore, this variant has been classified as Likely Pathogenic.

Literature cited by the submitters: PubMed 25589632; PubMed 23975875.

NM_001267550.2(TTN):c.87340A>T (p.Arg29114Ter)

Genes: TTN-AS1 (TTN antisense RNA 1; plus strand), TTN (titin; minus strand). Cytogenetic location: 2q31.2.
Variant type: single nucleotide variant.
Coding change: c.87340A>T on transcript NM_001267550.2 (MANE Select); coding-DNA position 87340, A replaced by T.
Protein change: p.Arg29114Ter; replaces arginine 29114 with a stop codon.
Molecular consequence: nonsense.
Genome position (GRCh38, 1-based): chr2:178,558,014, T>A on the plus strand (A>T on the coding strand, the complement: TTN is on the minus strand). VCF-style: chr2-178558014-T-A. GRCh37 (hg19) VCF-style: chr2-179422741-T-A.
Other names: c.82417A>T, p.Arg27473Ter (NM_001256850.1); c.60145A>T, p.Arg20049Ter (NM_003319.4); c.79636A>T, p.Arg26546Ter (NM_133378.4); c.60520A>T, p.Arg20174Ter (NM_133432.3); c.60721A>T, p.Arg20241Ter (NM_133437.4); short protein forms R20049*, R20241*, R26546*, R20174*, R29114*, R27473*.
Identifiers: ClinVar variation 2100647 (VCV002100647.4), dbSNP rs2469553543, ClinGen allele CA349537119.
Genomic context (GRCh38, chr2:178,558,014, plus strand): 5'-CAACAATGTTAATGAAAGCTTTGGTTGTACCACTGGAGTTGGCAGCAGTGATTTCATATC[T>A]CCCAGCGTCAGCTGTAACACTTTCTTTGAGATTGATGGTCAGGTTCTCAGCAGTAATTTC-3'